The following is an entry in ClinVar:

NM_032447.5(FBN3):c.432C>T (p.Thr144=)

Gene: FBN3 (fibrillin 3; minus strand). Cytogenetic location: 19p13.2.
Variant type: single nucleotide variant.
Coding change: c.432C>T on transcript NM_032447.5 (MANE Select); coding-DNA position 432, C replaced by T.
Protein change: p.Thr144=; no amino-acid change (threonine 144 retained).
Molecular consequence: synonymous variant.
Genome position (GRCh38, 1-based): chr19:8,145,856, G>A on the plus strand (C>T on the coding strand, the complement: FBN3 is on the minus strand). VCF-style: chr19-8145856-G-A. GRCh37 (hg19) VCF-style: chr19-8210740-G-A.
Other names: c.432C>T, p.Thr144= (NM_001321431.2).
Identifiers: ClinVar variation 4811014 (VCV004811014.1).
Genomic context (GRCh38, chr19:8,145,856, plus strand): 5'-TCACAGTCCCAGGTGTGCAAAGAGGGGAGTCCCATGGGGATACTCACGCTGCCCACACAC[G>A]GTGCCTGTGTAGCCCTTCTGACACAGACAGGACGCCCCCCGGCAGGTGCCCCCATTCATA-3'
Protein context (NP_115823.3, residues 134-154): SCLCQKGYTG[Thr144=]VCGQPICDRG

ClinVar aggregate classification (germline): Uncertain significance (1 of 4 stars; one submission).

gnomAD v4.1: 61 of 1,550,724 alleles (0.0039%); highest among the groups gnomAD compares: East Asian, 0.0073%; no homozygotes.

Submission:

Labcorp Genetics (formerly Invitae), Labcorp
Classification: Uncertain significance. Last evaluated: 2025-03-19. Review status: criteria provided, single submitter. Criteria: Invitae Variant Classification Sherloc (09022015). Collection method: clinical testing. Allele origin: germline.
Comment: This sequence change affects codon 144 of the FBN3 mRNA. It is a 'silent' change, meaning that it does not change the encoded amino acid sequence of the FBN3 protein. This variant is present in population databases (rs759730814, gnomAD 0.03%). This variant has not been reported in the literature in individuals affected with FBN3-related conditions. Algorithms developed to predict the effect of sequence changes on RNA splicing suggest that this variant may disrupt the consensus splice site. In summary, the available evidence is currently insufficient to determine the role of this variant in disease. Therefore, it has been classified as a Variant of Uncertain Significance.